The following is an entry in ClinVar:

NM_018051.5(DYNC2I1):c.562C>T (p.Arg188Ter)

Gene: DYNC2I1 (dynein 2 intermediate chain 1; plus strand). Cytogenetic location: 7q36.3.
Variant type: single nucleotide variant.
Coding change: c.562C>T on transcript NM_018051.5 (MANE Select); coding-DNA position 562, C replaced by T.
Protein change: p.Arg188Ter; replaces arginine 188 with a stop codon.
Molecular consequence: nonsense. On other transcripts: synonymous variant (1), 5 prime UTR variant (3).
Genome position (GRCh38, 1-based): chr7:158,876,680, C>T. VCF-style: chr7-158876680-C-T. GRCh37 (hg19) VCF-style: chr7-158669371-C-T.
Other names: c.424C>T, p.Arg142Ter (NM_001350914.2); c.45C>T, p.Thr15= (NM_001350915.2); c.-797C>T (NM_001350916.2); c.-805C>T (NM_001350917.2); c.-924C>T (NM_001350918.2); short protein forms R142*, R188*.
Identifiers: ClinVar variation 2186983 (VCV002186983.4), dbSNP rs750540944, ClinGen allele CA4594329.

ClinVar aggregate classification (germline): Pathogenic (1 of 4 stars; one submission).

Conditions:
Short-rib thoracic dysplasia 8 with or without polydactyly (SRTD8). Also called: SHORT-RIB THORACIC DYSPLASIA 8 WITH POLYDACTYLY. Identifiers: Orphanet 93271, MedGen C3809691, MONDO:0014214, OMIM 615503.

Allele frequency attached by ClinVar (database versions not stated): gnomAD 0.00001; TOPMed 0.00001.
gnomAD v4.1: 10 of 1,564,142 alleles (0.00064%); highest among the groups gnomAD compares: East Asian, 0.0023%; no homozygotes.

Submission:

Labcorp Genetics (formerly Invitae), Labcorp
Classification: Pathogenic for Short-rib thoracic dysplasia 8 with or without polydactyly. Last evaluated: 2022-04-08. Review status: criteria provided, single submitter. Criteria: Invitae Variant Classification Sherloc (09022015). Collection method: clinical testing. Allele origin: germline.
Comment: This variant has not been reported in the literature in individuals affected with WDR60-related conditions. For these reasons, this variant has been classified as Pathogenic. The frequency data for this variant in the population databases is considered unreliable, as metrics indicate poor data quality at this position in the gnomAD database. This sequence change creates a premature translational stop signal (p.Arg188*) in the WDR60 gene. It is expected to result in an absent or disrupted protein product. Loss-of-function variants in WDR60 are known to be pathogenic (PMID: 9068549, 23910462).

Literature cited by the submitters: PubMed 9068549; PubMed 23910462.